The following is an entry in ClinVar:

ClinVar aggregate classification (germline): Pathogenic. Review status: reviewed by expert panel (3 of 4 stars). 13 submissions from 13 submitters: Pathogenic (1). 12 of the submissions do not count toward it. Last evaluated 2016-09-08.

Conditions:
Hereditary cancer-predisposing syndrome. Also called: Neoplastic Syndromes, Hereditary; Tumor predisposition; Hereditary neoplastic syndrome; Hereditary Cancer Syndrome. Identifiers: Orphanet 140162, MedGen C0027672, MeSH D009386, MONDO:0015356.
Hereditary breast ovarian cancer syndrome. Also called: Breast and ovarian cancer; Hereditary breast and/or ovarian cancer syndrome; Hereditary breast and ovarian cancer syndrome (HBOC); Hereditary breast and ovarian cancer; Hereditary breast and ovarian cancer syndrome; BRCA1- and BRCA2-Associated Hereditary Breast and Ovarian Cancer. Identifiers: Orphanet 145, MedGen C0677776, MeSH D061325, MONDO:0003582. Disease mechanism: loss of function.
Breast-ovarian cancer, familial, susceptibility to, 1 (BROVCA1). Also called: BRCA1 Hereditary Breast and Ovarian Cancer; OVARIAN CANCER, SUSCEPTIBILITY TO. Identifiers: Orphanet 145, MedGen C2676676, MONDO:0011450, OMIM 604370. Disease mechanism: loss of function.

Allele frequency attached by ClinVar (database versions not stated): gnomAD exomes below 0.00001.

Submissions 1 to 7 of 13:

Evidence-based Network for the Interpretation of Germline Mutant Alleles (ENIGMA)
Classification: Pathogenic for Breast-ovarian cancer, familial, susceptibility to, 1. Last evaluated: 2016-09-08. Review status: reviewed by expert panel. Criteria: ENIGMA BRCA1/2 Classification Criteria (2015). Collection method: curation. Allele origin: germline.
Comment: Variant allele predicted to encode a truncated non-functional protein.

Labcorp Genetics (formerly Invitae), Labcorp
Classification: Pathogenic for Hereditary breast ovarian cancer syndrome. Last evaluated: 2025-05-15. Review status: criteria provided, single submitter. Criteria: Invitae Variant Classification Sherloc (09022015). Collection method: clinical testing. Allele origin: germline. Not counted in ClinVar's aggregate classification.
Comment: This sequence change creates a premature translational stop signal (p.Thr374Asnfs*2) in the BRCA1 gene. It is expected to result in an absent or disrupted protein product. Loss-of-function variants in BRCA1 are known to be pathogenic (PMID: 20104584). This variant is not present in population databases (gnomAD no frequency). This premature translational stop signal has been observed in individual(s) with breast and/or ovarian cancer (PMID: 8764110, 9150149, 16528604, 16683254, 20104584, 21120943). This variant is also known as c.1240delC, ter375 in literature. ClinVar contains an entry for this variant (Variation ID: 37391). For these reasons, this variant has been classified as Pathogenic.

GeneDx
Classification: Pathogenic. Last evaluated: 2025-03-17. Review status: criteria provided, single submitter. Criteria: GeneDx Variant Classification Process June 2021. Collection method: clinical testing. Allele origin: germline. Affected: yes. Not counted in ClinVar's aggregate classification.
Comment: Frameshift variant predicted to result in protein truncation or nonsense mediated decay in a gene for which loss of function is a known mechanism of disease; Truncating variants in this gene are considered pathogenic by a well-established clinical consortium and/or database; Reported in individuals with personal and/or family history of breast and ovarian cancers (PMID: 9150149, 16528604, 16683254, 20104584, 30551077, 32341426); Not observed at significant frequency in large population cohorts (gnomAD); Also known as 1240del; This variant is associated with the following publications: (PMID: 21989022, 17661172, 38929805, 8764110, 22762150, 9150149, 30551077, 21120943, 20104584, 16683254, 16528604, 32341426)

Women's Health and Genetics/Laboratory Corporation of America, LabCorp
Classification: Pathogenic for Hereditary breast ovarian cancer syndrome. Last evaluated: 2024-07-02. Review status: criteria provided, single submitter. Criteria: LabCorp Variant Classification Summary - May 2015. Collection method: clinical testing. Allele origin: germline. Not counted in ClinVar's aggregate classification.
Comment: Variant summary: BRCA1 c.1121delC (p.Thr374AsnfsX2) results in a premature termination codon, predicted to cause a truncation of the encoded protein or absence of the protein due to nonsense mediated decay, which are commonly known mechanisms for disease. The variant was absent in 251220 control chromosomes. c.1121delC has been reported in the literature in individuals affected with Hereditary Breast And Ovarian Cancer Syndrome (e.g. van der Hout_2006). These data do not allow any conclusion about variant significance. To our knowledge, no experimental evidence demonstrating an impact on protein function has been reported. The following publication have been ascertained in the context of this evaluation (PMID: 16683254). ClinVar contains an entry for this variant (Variation ID: 37391). Based on the evidence outlined above, the variant was classified as pathogenic.

Ambry Genetics
Classification: Pathogenic for Hereditary cancer-predisposing syndrome. Last evaluated: 2024-06-25. Review status: criteria provided, single submitter. Criteria: Ambry Variant Classification Scheme 2023. Collection method: clinical testing. Allele origin: germline. Not counted in ClinVar's aggregate classification.
Comment: The c.1121delC pathogenic mutation, located in coding exon 9 of the BRCA1 gene, results from a deletion of one nucleotide at nucleotide position 1121, causing a translational frameshift with a predicted alternate stop codon (p.T374Nfs*2). This mutation has been reported in multiple individuals with hereditary breast and ovarian cancer (HBOC) syndrome (Sobol H et al. Cancer Res., 1996 Jul;56:3216-9; Stoppa-Lyonnet D et al. Am J Hum Genet, 1997 May;60:1021-30; van der Hout AH et al. Hum Mutat, 2006 Jul;27:654-66; Sinilnikova OM et al. Fam. Cancer, 2006;5:15-20; Borg A et al. Hum Mutat, 2010 Mar;31:E1200-40; Caux-Moncoutier V et al. Hum Mutat, 2011 Mar;32:325-34; Downs B et al. Eur J Cancer, 2019 01;107:68-78). Of note, this alteration is also designated as 1240delC in published literature. This variant is considered to be rare based on population cohorts in the Genome Aggregation Database (gnomAD). In addition to the clinical data presented in the literature, this alteration is expected to result in loss of function by premature protein truncation or nonsense-mediated mRNA decay. As such, this alteration is interpreted as a disease-causing mutation.

Color Diagnostics, LLC DBA Color Health
Classification: Pathogenic for Hereditary cancer-predisposing syndrome. Last evaluated: 2024-01-23. Review status: criteria provided, single submitter. Criteria: ACMG Guidelines, 2015. Collection method: clinical testing. Allele origin: germline. Not counted in ClinVar's aggregate classification.
Comment: This variant deletes 1 nucleotide in exon 10 of the BRCA1 gene, creating a frameshift and premature translation stop signal. This variant is expected to result in an absent or non-functional protein product. This variant has been reported in at least three unrelated individuals affected with breast and/or ovarian cancer (PMID: 8764110, 9150149, 20104584) and in suspected hereditary breast and ovarian cancer families (PMID: 16528604, 16683254). This variant has not been identified in the general population by the Genome Aggregation Database (gnomAD). Loss of BRCA1 function is a known mechanism of disease. Based on the available evidence, this variant is classified as Pathogenic.

All of Us Research Program, National Institutes of Health
Classification: Pathogenic for Breast-ovarian cancer, familial, susceptibility to, 1. Last evaluated: 2023-11-07. Review status: criteria provided, single submitter. Criteria: ACMG Guidelines, 2015. Collection method: clinical testing. Allele origin: germline. Inheritance: Autosomal dominant inheritance. Observed: 1 variant allele, 1 heterozygote. Not counted in ClinVar's aggregate classification.
Comment: The c.1121del (p.Thr374Asnfs*2) variant of the BRCA1 gene creates an early stop codon. It is expected to result in an absent or disrupted protein product. This variant has been reported in multiple individuals with breast and/or ovarian cancer (PMID: 8764110, 9150149, 16528604, 16683254, 20104584). This variant has not been observed in the gnomAD dataset. Truncating variants in BRCA1 are known to be pathogenic (PMID: 21989022, 17661172, 22762150). Therefore the c.1121del (p.Thr374Asnfs*2) variant of the BRCA1 gene is classified as pathogenic.

This study involves interpretation of variants in research participants for the purpose of population health screening. Participant phenotype was not available at the time of variant classification. Additional details can be found in publication PMID: 35346344, PMCID: PMC8962531

NM_007294.4(BRCA1):c.1121del (p.Thr374fs)

Gene: BRCA1 (BRCA1 DNA repair associated; minus strand). Cytogenetic location: 17q21.31.
Variant type: Deletion.
Coding change: c.1121del on transcript NM_007294.4 (MANE Select); coding-DNA position 1121, one base deleted (C; older notation c.1121delC).
Protein change: p.Thr374fs; shifts the reading frame from threonine 374.
Molecular consequence: frameshift variant. On other transcripts: intron variant (137).
Genome position (GRCh38, 1-based): chr17:43,094,410, G deleted on the plus strand (C on the coding strand, the reverse complement: BRCA1 is on the minus strand). VCF-style (leftmost placement, unchanged base first): chr17-43094409-TG-T. GRCh37 (hg19) VCF-style: chr17-41246426-TG-T.
Other names: 1240delC; c.1118del, p.Thr373fs (NM_001407630.1, NM_001407631.1, NM_001407632.1 and 22 more transcripts); c.1121del, p.Thr374fs (NM_001407639.1, NM_001407640.1, NM_001407641.1 and 30 more transcripts); c.1112del, p.Thr371fs (NM_001407646.1, NM_001407647.1); c.998del, p.Thr333fs (NM_001407648.1, NM_001407664.1, NM_001407665.1 and 19 more transcripts); c.995del, p.Thr332fs (NM_001407649.1, NM_001407670.1, NM_001407671.1 and 11 more transcripts); c.1043del, p.Thr348fs (NM_001407653.1, NM_001407654.1, NM_001407655.1 and 4 more transcripts); c.1040del, p.Thr347fs (NM_001407659.1, NM_001407660.1, NM_001407661.1 and 1 more transcripts); and 41 more; short protein forms T374fs, T327fs, T263fs, T326fs, T348fs, T78fs, T206fs, T285fs.
Identifiers: ClinVar variation 37391 (VCV000037391.26), dbSNP rs80357612, ClinGen allele CA000751.